The following is an entry in ClinVar:

ClinVar aggregate classification (germline): Uncertain significance. Review status: criteria provided, multiple submitters, no conflicts (2 of 4 stars). 2 submissions from 2 submitters: Uncertain significance (2). Last evaluated 2022-10-13.

Allele frequency attached by ClinVar (database versions not stated): TOPMed 0.00001; gnomAD exomes below 0.00001; gnomAD 0.00002.
gnomAD v4.1: 4 of 1,611,904 alleles (0.00025%); highest among the groups gnomAD compares: African/African-American, 0.0013%; no homozygotes.

Submissions (2):

Labcorp Genetics (formerly Invitae), Labcorp
Classification: Uncertain significance. Last evaluated: 2022-10-13. Review status: criteria provided, single submitter. Criteria: Invitae Variant Classification Sherloc (09022015). Collection method: clinical testing. Allele origin: germline.
Comment: In summary, the available evidence is currently insufficient to determine the role of this variant in disease. Therefore, it has been classified as a Variant of Uncertain Significance. Advanced modeling of protein sequence and biophysical properties (such as structural, functional, and spatial information, amino acid conservation, physicochemical variation, residue mobility, and thermodynamic stability) performed at Invitae indicates that this missense variant is not expected to disrupt ADAM9 protein function. ClinVar contains an entry for this variant (Variation ID: 1423669). This variant has not been reported in the literature in individuals affected with ADAM9-related conditions. This variant is present in population databases (no rsID available, gnomAD 0.002%). This sequence change replaces arginine, which is basic and polar, with glutamine, which is neutral and polar, at codon 256 of the ADAM9 protein (p.Arg256Gln).

Breakthrough Genomics
Classification: Uncertain significance. Review status: criteria provided, single submitter. Criteria: ACMG Guidelines, 2015. Collection method: not provided. Allele origin: germline. Inheritance: Autosomal recessive inheritance. Affected: yes.

NM_003816.3(ADAM9):c.767G>A (p.Arg256Gln)

Gene: ADAM9 (ADAM metallopeptidase domain 9; plus strand). Cytogenetic location: 8p11.22.
Variant type: single nucleotide variant.
Coding change: c.767G>A on transcript NM_003816.3 (MANE Select); coding-DNA position 767, G replaced by A.
Protein change: p.Arg256Gln; replaces arginine 256 with glutamine.
Molecular consequence: missense variant. On other transcripts: non-coding transcript variant (3).
Genome position (GRCh38, 1-based): chr8:39,023,178, G>A. VCF-style: chr8-39023178-G-A. GRCh37 (hg19) VCF-style: chr8-38880697-G-A.
Other names: short protein forms R256Q.
Identifiers: ClinVar variation 1423669 (VCV001423669.7), dbSNP rs1344174952, ClinGen allele CA370754040.